The following is an entry in ClinVar:

NM_001384732.1(CPLANE1):c.7937C>A (p.Pro2646Gln)

Gene: CPLANE1 (ciliogenesis and planar polarity effector complex subunit 1; minus strand). Cytogenetic location: 5p13.2.
Variant type: single nucleotide variant.
Coding change: c.7937C>A on transcript NM_001384732.1 (MANE Select); coding-DNA position 7937, C replaced by A.
Protein change: p.Pro2646Gln; replaces proline 2646 with glutamine.
Molecular consequence: missense variant.
Genome position (GRCh38, 1-based): chr5:37,157,744, G>T on the plus strand (C>A on the coding strand, the complement: CPLANE1 is on the minus strand). VCF-style: chr5-37157744-G-T. GRCh37 (hg19) VCF-style: chr5-37157846-G-T.
Other names: c.7883C>A, p.Pro2628Gln (NM_023073.4); short protein forms P2628Q, P2646Q.
Identifiers: ClinVar variation 2025046 (VCV002025046.4), dbSNP rs2547363784, ClinGen allele CA359474705.
Genomic context (GRCh38, chr5:37,157,744, plus strand): 5'-TTATGTGGGGGAACAGCATTAGTAACTGAAGCTGCCATATAATGTAACTCTGCAGACGAT[G>T]GAACTGCTAGATGATCGCTTTGCTGTTTGATAACATTATCATTTGAAGGCTCTTCTCTCA-3'
Protein context (NP_001371661.1, residues 2636-2656): IKQQSDHLAV[Pro2646Gln]SSAELHYMAA

ClinVar aggregate classification (germline): Uncertain significance (1 of 4 stars; one submission).

Submission:

Labcorp Genetics (formerly Invitae), Labcorp
Classification: Uncertain significance. Last evaluated: 2024-06-03. Review status: criteria provided, single submitter. Criteria: Invitae Variant Classification Sherloc (09022015). Collection method: clinical testing. Allele origin: germline.
Comment: This sequence change replaces proline, which is neutral and non-polar, with glutamine, which is neutral and polar, at codon 2628 of the CPLANE1 protein (p.Pro2628Gln). This variant is not present in population databases (gnomAD no frequency). This variant has not been reported in the literature in individuals affected with CPLANE1-related conditions. ClinVar contains an entry for this variant (Variation ID: 2025046). Advanced modeling of protein sequence and biophysical properties (such as structural, functional, and spatial information, amino acid conservation, physicochemical variation, residue mobility, and thermodynamic stability) performed at Invitae indicates that this missense variant is not expected to disrupt CPLANE1 protein function with a negative predictive value of 95%. In summary, the available evidence is currently insufficient to determine the role of this variant in disease. Therefore, it has been classified as a Variant of Uncertain Significance.